The following is an entry in ClinVar:

NM_000059.4(BRCA2):c.1832C>T (p.Ser611Leu)

Gene: BRCA2 (BRCA2 DNA repair associated; plus strand). Cytogenetic location: 13q13.1.
Variant type: single nucleotide variant.
Coding change: c.1832C>T on transcript NM_000059.4 (MANE Select); coding-DNA position 1832, C replaced by T.
Protein change: p.Ser611Leu; replaces serine 611 with leucine.
Molecular consequence: missense variant.
Genome position (GRCh38, 1-based): chr13:32,333,310, C>T. VCF-style: chr13-32333310-C-T. GRCh37 (hg19) VCF-style: chr13-32907447-C-T.
Other names: c.1832C>T (NM_000059.3); short protein forms S611L.
Identifiers: ClinVar variation 1059832 (VCV001059832.14), dbSNP rs80358474, ClinGen allele CA6940544.

ClinVar aggregate classification (germline): Conflicting classifications of pathogenicity. Review status: criteria provided, conflicting classifications (1 of 4 stars). 5 submissions from 5 submitters: Uncertain significance (3); Likely benign (1). 1 of the submissions does not count toward it. Last evaluated 2023-09-14.

Conditions:
Hereditary cancer-predisposing syndrome. Also called: Tumor predisposition; Neoplastic Syndromes, Hereditary; Hereditary Cancer Syndrome; Hereditary neoplastic syndrome. Identifiers: Orphanet 140162, MedGen C0027672, MeSH D009386, MONDO:0015356.
Breast-ovarian cancer, familial, susceptibility to, 2 (BROVCA2). Also called: BRCA2 Hereditary Breast and Ovarian Cancer. Identifiers: Orphanet 145, MedGen C2675520, MONDO:0012933, OMIM 612555. Disease mechanism: loss of function.
Hereditary breast ovarian cancer syndrome. Also called: Hereditary breast and ovarian cancer; Breast and ovarian cancer; BRCA1- and BRCA2-Associated Hereditary Breast and Ovarian Cancer; Hereditary breast and ovarian cancer syndrome; Hereditary breast and ovarian cancer syndrome (HBOC); Hereditary breast and/or ovarian cancer syndrome. Identifiers: Orphanet 145, MedGen C0677776, MeSH D061325, MONDO:0003582. Disease mechanism: loss of function.

Allele frequency attached by ClinVar (database versions not stated): ExAC 0.00001; gnomAD exomes 0.00001.
gnomAD v4.1: 6 of 1,606,348 alleles (0.00037%); no homozygotes.

Submissions (5):

Ambry Genetics
Classification: Uncertain significance for Hereditary cancer-predisposing syndrome. Last evaluated: 2023-09-14. Review status: criteria provided, single submitter. Criteria: Ambry Variant Classification Scheme 2023. Collection method: clinical testing. Allele origin: germline.
Comment: The p.S611L variant (also known as c.1832C>T), located in coding exon 9 of the BRCA2 gene, results from a C to T substitution at nucleotide position 1832. The serine at codon 611 is replaced by leucine, an amino acid with dissimilar properties. This amino acid position is not well conserved in available vertebrate species. In addition, this alteration is predicted to be tolerated by in silico analysis. Since supporting evidence is limited at this time, the clinical significance of this alteration remains unclear.

University of Washington Department of Laboratory Medicine, University of Washington
Classification: Likely benign for Hereditary cancer-predisposing syndrome. Last evaluated: 2023-03-23. Review status: criteria provided, single submitter. Criteria: Dines et al. (Genet Med. 2020). Collection method: curation. Allele origin: germline.
Comment: Missense variant in a coldspot region where missense variants are very unlikely to be pathogenic (PMID:31911673).

BRCA2 exon 10 coldspot. Reclassification based on statistical prior probability.

Quest Diagnostics Nichols Institute San Juan Capistrano
Classification: Uncertain significance. Last evaluated: 2022-09-08. Review status: criteria provided, single submitter. Criteria: Quest Diagnostics criteria. Collection method: clinical testing. Allele origin: unknown.
Comment: The variant has not been reported in the published literature. The frequency of this variant in the general population, 0.00014 (3/21504 chromosomes), is uninformative in assessment of its pathogenicity. Analysis of this variant using bioinformatics tools for the prediction of the effect of amino acid changes on protein structure and function yielded predictions that this variant is benign. Based on the available information, we are unable to determine the clinical significance of this variant.

Labcorp Genetics (formerly Invitae), Labcorp
Classification: Uncertain significance for Hereditary breast ovarian cancer syndrome. Last evaluated: 2020-09-20. Review status: criteria provided, single submitter. Criteria: Invitae Variant Classification Sherloc (09022015). Collection method: clinical testing. Allele origin: germline.
Comment: This variant has not been reported in the literature in individuals with BRCA2-related conditions. In summary, the available evidence is currently insufficient to determine the role of this variant in disease. Therefore, it has been classified as a Variant of Uncertain Significance. Advanced modeling of protein sequence and biophysical properties (such as structural, functional, and spatial information, amino acid conservation, physicochemical variation, residue mobility, and thermodynamic stability) performed at Invitae indicates that this missense variant is not expected to disrupt BRCA2 protein function. This variant is present in population databases (rs80358474, ExAC 0.02%). This sequence change replaces serine with leucine at codon 611 of the BRCA2 protein (p.Ser611Leu). The serine residue is moderately conserved and there is a large physicochemical difference between serine and leucine.

BRCAlab, Lund University
Classification: Uncertain significance for Breast-ovarian cancer, familial, susceptibility to, 2. Last evaluated: 2020-03-02. Review status: no assertion criteria provided. Collection method: clinical testing. Allele origin: germline. Affected: yes. Not counted in ClinVar's aggregate classification.